The following is an entry in ClinVar:

ClinVar aggregate classification (germline): Pathogenic/Likely pathogenic. Review status: criteria provided, multiple submitters, no conflicts (2 of 4 stars). 8 submissions from 8 submitters: Pathogenic (4); Likely pathogenic (4). Last evaluated 2026-08-19.

Conditions:
Dubin-Johnson syndrome (DJS). Also called: Hyperbilirubinemia type 2; Jaundice, Chronic Idiopathic; HYPERBILIRUBINEMIA, DUBIN-JOHNSON TYPE. Identifiers: Orphanet 234, MedGen C0022350, MONDO:0009380, OMIM 237500.
ABCC2-related disorder. Also called: ABCC2-related condition.

Allele frequency attached by ClinVar (database versions not stated): TOPMed below 0.00001; ExAC 0.00001; gnomAD 0.00001; gnomAD exomes 0.00002.
gnomAD v4.1: 20 of 1,613,984 alleles (0.0012%); highest among the groups gnomAD compares: Middle Eastern, 0.033%; no homozygotes.

Submissions (8):

Molecular Genetics Laboratory, CHU Lille
Classification: Pathogenic for Dubin-Johnson syndrome. Last evaluated: 2026-08-19. Review status: criteria provided, single submitter. Criteria: ACMG Guidelines, 2015. Collection method: clinical testing. Allele origin: germline. Affected: yes.
Comment: This sequence change introduces a premature translational stop signal (p.Arg1271Ter) in the ABCC2 gene, which is likely to result in an absent or disrupted protein product. This variant is present at an extremely low frequency in population databases and has been observed in individuals with Dubin-Johnson syndrome according to ClinVar entries. For these reasons, this variant is classified as Pathogenic.

Labcorp Genetics (formerly Invitae), Labcorp
Classification: Pathogenic. Last evaluated: 2025-12-23. Review status: criteria provided, single submitter. Criteria: Invitae Variant Classification Sherloc (09022015). Collection method: clinical testing. Allele origin: germline.
Comment: This sequence change creates a premature translational stop signal (p.Arg1271*) in the ABCC2 gene. It is expected to result in an absent or disrupted protein product. Loss-of-function variants in ABCC2 are known to be pathogenic (PMID: 9185779, 16549534, 16952291). This variant is present in population databases (rs761406918, gnomAD 0.006%). This variant has not been reported in the literature in individuals affected with ABCC2-related conditions. ClinVar contains an entry for this variant (Variation ID: 595292). Algorithms developed to predict the effect of sequence changes on RNA splicing suggest that this variant may disrupt the consensus splice site. For these reasons, this variant has been classified as Pathogenic.

Genomic Medicine Center of Excellence, King Faisal Specialist Hospital and Research Centre
Classification: Pathogenic for Dubin-Johnson syndrome. Last evaluated: 2025-09-10. Review status: criteria provided, single submitter. Criteria: ACMG Guidelines, 2015. Collection method: clinical testing. Allele origin: germline.

Dasa
Classification: Likely pathogenic. Last evaluated: 2025-04-22. Review status: criteria provided, single submitter. Criteria: DASA Assertion Criteria. Collection method: clinical testing. Allele origin: germline.
Comment: NM_000392.5(ABCC2):c.3811C>T (p.Arg1271*) is a nonsense variant in ABCC2 predicted to introduce a premature termination codon and is predicted to result in an absent or altered protein product. Loss of function is an established disease mechanism for ABCC2-associated disorders. Also, this variant is rare in population databases. Based on the currently available evidence, this variant is classified as likely pathogenic.

PreventionGenetics, part of Exact Sciences
Classification: Likely pathogenic for ABCC2-related condition. Last evaluated: 2024-10-10. Review status: criteria provided, single submitter. Criteria: ACMG Guidelines, 2015. Collection method: clinical testing. Allele origin: germline.
Comment: The ABCC2 c.3811C>T variant is predicted to result in premature protein termination (p.Arg1271*). To our knowledge, this variant has not been reported in the literature. This variant is reported in 0.0065% of alleles in individuals of South Asian descent in gnomAD. Nonsense variants in ABCC2 are expected to be pathogenic. This variant is interpreted as likely pathogenic.

Department of Human Genetics, Hannover Medical School
Classification: Likely pathogenic for Dubin-Johnson syndrome. Last evaluated: 2024-04-22. Review status: criteria provided, single submitter. Criteria: ACMG Guidelines, 2015. Collection method: clinical testing. Allele origin: germline. Affected: yes.

Department of Pathology and Laboratory Medicine, Sinai Health System
Classification: Likely pathogenic for Dubin-Johnson syndrome. Last evaluated: 2023-09-18. Review status: criteria provided, single submitter. Criteria: ACMG Guidelines, 2015. Collection method: research. Allele origin: germline.

Eurofins Ntd Llc (ga)
Classification: Pathogenic. Last evaluated: 2017-12-06. Review status: criteria provided, single submitter. Criteria: EGL Classification Definitions 2015. Collection method: clinical testing. Allele origin: germline. Observed: 1 variant allele, 1 heterozygote.

Literature cited by the submitters: PubMed 9185779 (cited by Labcorp Genetics (formerly Invitae), Labcorp); PubMed 16549534 (cited by Labcorp Genetics (formerly Invitae), Labcorp); PubMed 16952291 (cited by Labcorp Genetics (formerly Invitae), Labcorp).

NM_000392.5(ABCC2):c.3811C>T (p.Arg1271Ter)

Gene: ABCC2 (ATP binding cassette subfamily C member 2; plus strand). Cytogenetic location: 10q24.2.
Variant type: single nucleotide variant.
Coding change: c.3811C>T on transcript NM_000392.5 (MANE Select); coding-DNA position 3811, C replaced by T.
Protein change: p.Arg1271Ter; replaces arginine 1271 with a stop codon.
Molecular consequence: nonsense.
Genome position (GRCh38, 1-based): chr10:99,843,868, C>T. VCF-style: chr10-99843868-C-T. GRCh37 (hg19) VCF-style: chr10-101603625-C-T.
Other names: c.3811C>T, p.Arg1271Ter (LRG_1208t1); short protein forms R1271*.
Identifiers: ClinVar variation 595292 (VCV000595292.15), dbSNP rs761406918, ClinGen allele CA5643952.